The following is an entry in ClinVar:

ClinVar aggregate classification (germline): Benign/Likely benign. Review status: criteria provided, multiple submitters, no conflicts (2 of 4 stars). 8 submissions from 8 submitters: Benign (1); Likely benign (5). 2 of the submissions do not count toward it. Last evaluated 2026-01-27.

Conditions:
Cardiovascular phenotype. Identifiers: MedGen CN230736.
Myofibrillar myopathy 4. Also called: Zaspopathy (type). Identifiers: Orphanet 98912, MedGen C4721886, MONDO:0012277, OMIM 609452.

Allele frequency attached by ClinVar (database versions not stated): ExAC 0.00010; gnomAD exomes 0.00014 and 0.00041; 1000 Genomes Project 30x 0.00016; 1000 Genomes Project 0.00020; gnomAD 0.00022 and 0.00025; TOPMed 0.00022; ESP Exome Variant Server 0.00023.
gnomAD v4.1: 632 of 1,614,044 alleles (0.039%); highest among the groups gnomAD compares: Non-Finnish European, 0.05%; no homozygotes.

Submissions (8):

Labcorp Genetics (formerly Invitae), Labcorp
Classification: Likely benign for Myofibrillar myopathy 4. Last evaluated: 2026-01-27. Review status: criteria provided, single submitter. Criteria: Invitae Variant Classification Sherloc (09022015). Collection method: clinical testing. Allele origin: germline.

Blueprint Genetics
Classification: Likely benign. Last evaluated: 2024-11-08. Review status: criteria provided, single submitter. Criteria: ACMG Guidelines, 2015. Collection method: clinical testing. Allele origin: germline.

Women's Health and Genetics/Laboratory Corporation of America, LabCorp
Classification: Benign. Last evaluated: 2023-10-23. Review status: criteria provided, single submitter. Criteria: LabCorp Variant Classification Summary - May 2015. Collection method: clinical testing. Allele origin: germline.

GeneDx
Classification: Likely benign. Last evaluated: 2021-10-28. Review status: criteria provided, single submitter. Criteria: GeneDx Variant Classification Process June 2021. Collection method: clinical testing. Allele origin: germline. Affected: yes.

Ambry Genetics
Classification: Likely benign for Cardiovascular phenotype. Last evaluated: 2016-06-06. Review status: criteria provided, single submitter. Criteria: Ambry Variant Classification Scheme 2023. Collection method: clinical testing. Allele origin: germline.

Laboratory for Molecular Medicine, Mass General Brigham Personalized Medicine
Classification: Likely benign. Last evaluated: 2016-04-27. Review status: criteria provided, single submitter. Criteria: LMM Criteria. Collection method: clinical testing. Allele origin: germline. Observed: 4 variant alleles.
Comment: p.Cys657Cys in exon 14 of LDB3: This variant is not expected to have clinical si gnificance because it does not alter an amino acid residue and is not located wi thin the splice consensus sequence. It has been identified in 11/66394 European chromosomes by the Exome Aggregation Consortium (ExAC; dbSNP rs140552419).

Clinical Genetics, Academic Medical Center
Classification: Benign. Review status: no assertion criteria provided. Collection method: clinical testing. Allele origin: germline. Affected: yes. Study: VKGL Data-share Consensus. Not counted in ClinVar's aggregate classification.

Joint Genome Diagnostic Labs from Nijmegen and Maastricht, Radboudumc and MUMC+
Classification: Likely benign. Review status: no assertion criteria provided. Collection method: clinical testing. Allele origin: germline. Affected: yes. Study: VKGL Data-share Consensus. Not counted in ClinVar's aggregate classification.

NM_007078.3(LDB3):c.1971C>T (p.Cys657=)

Gene: LDB3 (LIM domain binding 3; plus strand). Cytogenetic location: 10q23.2.
Variant type: single nucleotide variant.
Coding change: c.1971C>T on transcript NM_007078.3 (MANE Select); coding-DNA position 1971, C replaced by T.
Protein change: p.Cys657=; no amino-acid change (cysteine 657 retained).
Molecular consequence: synonymous variant.
Genome position (GRCh38, 1-based): chr10:86,718,840, C>T. VCF-style: chr10-86718840-C-T. GRCh37 (hg19) VCF-style: chr10-88478597-C-T.
Other names: c.1641C>T, p.Cys547= (NM_001080114.2); c.1986C>T, p.Cys662= (NM_001171610.2); c.1782C>T, p.Cys594= (NM_001368064.1, NM_001368065.1); c.1830C>T, p.Cys610= (NM_001368066.1); c.*19466C>T (NM_001080116.1).
Identifiers: ClinVar variation 45537 (VCV000045537.26), dbSNP rs140552419, ClinGen allele CA136571.
Genomic context (GRCh38, chr10:86,718,840, plus strand): 5'-GGCCTGCAAGAAGCCTTTTGGGAACAGCCTCTTCCACATGGAAGACGGGGAGCCCTACTG[C>T]GAGAAAGGTAGGAACACTTCGATGGCATGTGGGGAGGCCCCACAGCCTGGGAGAAAGGGG-3'
Protein context (NP_009009.1, residues 647-667): LFHMEDGEPY[Cys657=]EKDYINLFST